The following is an entry in ClinVar:

NM_000360.4(TH):c.778C>G (p.Arg260Gly)

Gene: TH (tyrosine hydroxylase; minus strand). Cytogenetic location: 11p15.5.
Variant type: single nucleotide variant.
Coding change: c.778C>G on transcript NM_000360.4 (MANE Select); coding-DNA position 778, C replaced by G.
Protein change: p.Arg260Gly; replaces arginine 260 with glycine.
Molecular consequence: missense variant.
Genome position (GRCh38, 1-based): chr11:2,166,950, G>C on the plus strand (C>G on the coding strand, the complement: TH is on the minus strand). VCF-style: chr11-2166950-G-C. GRCh37 (hg19) VCF-style: chr11-2188180-G-C.
Other names: c.871C>G, p.Arg291Gly (NM_199292.3); c.859C>G, p.Arg287Gly (NM_199293.3); short protein forms R260G, R291G, R287G.
Identifiers: ClinVar variation 1438086 (VCV001438086.3), dbSNP rs376462928, ClinGen allele CA379126778.
Genomic context (GRCh38, chr11:2,166,950, plus strand): 5'-TCAGGAAGCGGGAGACGTCCTCCAGCTGGGGGATATTGTCTTCCCGGTAGCCGCTGAAGC[G>C]CTCCAGCAAAGCAAAGGCCTCCAGGTGCTCCCCGCAGGCGTGCGTGGCGTAGAGGCCCTT-3'
Protein context (NP_000351.2, residues 250-270): EHLEAFALLE[Arg260Gly]FSGYREDNIP

ClinVar aggregate classification (germline): Uncertain significance (1 of 4 stars; one submission).

Conditions:
TH-deficient dopa-responsive dystonia. Also called: Tyrosine Hydroxylase-Deficient Dopa-Responsive Dystonia; Segawa syndrome, autosomal recessive; DYT-TH. Identifiers: Orphanet 101150, MedGen C2673535, MONDO:0011551, OMIM 605407.

Submission:

Labcorp Genetics (formerly Invitae), Labcorp
Classification: Uncertain significance for TH-deficient dopa-responsive dystonia. Last evaluated: 2021-12-08. Review status: criteria provided, single submitter. Criteria: Invitae Variant Classification Sherloc (09022015). Collection method: clinical testing. Allele origin: germline.
Comment: This sequence change replaces arginine, which is basic and polar, with glycine, which is neutral and non-polar, at codon 291 of the TH protein (p.Arg291Gly). This variant is not present in population databases (gnomAD no frequency). This variant has not been reported in the literature in individuals affected with TH-related conditions. Advanced modeling of protein sequence and biophysical properties (such as structural, functional, and spatial information, amino acid conservation, physicochemical variation, residue mobility, and thermodynamic stability) performed at Invitae indicates that this missense variant is not expected to disrupt TH protein function. In summary, the available evidence is currently insufficient to determine the role of this variant in disease. Therefore, it has been classified as a Variant of Uncertain Significance.